The following is an entry in ClinVar:

NM_002156.5(HSPD1):c.946A>G (p.Met316Val)

Gene: HSPD1 (heat shock protein family D (Hsp60) member 1; minus strand). Cytogenetic location: 2q33.1.
Variant type: single nucleotide variant.
Coding change: c.946A>G on transcript NM_002156.5 (MANE Select); coding-DNA position 946, A replaced by G.
Protein change: p.Met316Val; replaces methionine 316 with valine.
Molecular consequence: missense variant.
Genome position (GRCh38, 1-based): chr2:197,490,220, T>C on the plus strand (A>G on the coding strand, the complement: HSPD1 is on the minus strand). VCF-style: chr2-197490220-T-C. GRCh37 (hg19) VCF-style: chr2-198354944-T-C.
Other names: c.946A>G, p.Met316Val (NM_199440.2); short protein forms M316V.
Identifiers: ClinVar variation 2577368 (VCV002577368.4), dbSNP rs902839589, ClinGen allele CA62853821.

ClinVar aggregate classification (germline): Uncertain significance. Review status: criteria provided, multiple submitters, no conflicts (2 of 4 stars). 2 submissions from 2 submitters: Uncertain significance (2). Last evaluated 2023-12-27.

Conditions:
Spastic paraplegia. Identifiers: MedGen C0037772, HP:0001258.

Allele frequency attached by ClinVar (database versions not stated): gnomAD 0.00001; gnomAD exomes 0.00001; TOPMed 0.00007.
gnomAD v4.1: 15 of 1,613,226 alleles (0.00093%); highest among the groups gnomAD compares: Admixed American, 0.013%; 1 homozygote.

Submissions (2):

Labcorp Genetics (formerly Invitae), Labcorp
Classification: Uncertain significance for Spastic paraplegia. Last evaluated: 2023-12-27. Review status: criteria provided, single submitter. Criteria: Invitae Variant Classification Sherloc (09022015). Collection method: clinical testing. Allele origin: germline.
Comment: This sequence change replaces methionine, which is neutral and non-polar, with valine, which is neutral and non-polar, at codon 316 of the HSPD1 protein (p.Met316Val). This variant is present in population databases (no rsID available, gnomAD 0.006%). This variant has not been reported in the literature in individuals affected with HSPD1-related conditions. ClinVar contains an entry for this variant (Variation ID: 2577368). Advanced modeling of protein sequence and biophysical properties (such as structural, functional, and spatial information, amino acid conservation, physicochemical variation, residue mobility, and thermodynamic stability) performed at Invitae indicates that this missense variant is not expected to disrupt HSPD1 protein function with a negative predictive value of 80%. In summary, the available evidence is currently insufficient to determine the role of this variant in disease. Therefore, it has been classified as a Variant of Uncertain Significance.

Women's Health and Genetics/Laboratory Corporation of America, LabCorp
Classification: Uncertain significance. Last evaluated: 2023-07-21. Review status: criteria provided, single submitter. Criteria: LabCorp Variant Classification Summary - May 2015. Collection method: clinical testing. Allele origin: germline.
Comment: Variant summary: HSPD1 c.946A>G (p.Met316Val) results in a conservative amino acid change in the encoded protein sequence. Three of five in-silico tools predict a benign effect of the variant on protein function. The variant allele was found at a frequency of 8e-06 in 251476 control chromosomes (gnomAD). The available data on variant occurrences in the general population are insufficient to allow any conclusion about variant significance. To our knowledge, no occurrence of c.946A>G in individuals affected with HSPD1-Related Disorders and no experimental evidence demonstrating its impact on protein function have been reported. No submitters have cited clinical-significance assessments for this variant to ClinVar after 2014. Based on the evidence outlined above, the variant was classified as uncertain significance.